The following is an entry in ClinVar:

NM_002968.3(SALL1):c.3665C>T (p.Ala1222Val)

Gene: SALL1 (spalt like transcription factor 1; minus strand). Cytogenetic location: 16q12.1.
Variant type: single nucleotide variant.
Coding change: c.3665C>T on transcript NM_002968.3 (MANE Select); coding-DNA position 3665, C replaced by T.
Protein change: p.Ala1222Val; replaces alanine 1222 with valine.
Molecular consequence: missense variant.
Genome position (GRCh38, 1-based): chr16:51,137,422, G>A on the plus strand (C>T on the coding strand, the complement: SALL1 is on the minus strand). VCF-style: chr16-51137422-G-A. GRCh37 (hg19) VCF-style: chr16-51171333-G-A.
Other names: c.3374C>T, p.Ala1125Val (NM_001127892.2); short protein forms A1125V, A1222V.
Identifiers: ClinVar variation 1261438 (VCV001261438.13), dbSNP rs578198178, ClinGen allele CA8052857.

ClinVar aggregate classification (germline): Benign/Likely benign. Review status: criteria provided, multiple submitters, no conflicts (2 of 4 stars). 5 submissions from 5 submitters: Benign (1); Likely benign (4). Last evaluated 2024-10-20.

Conditions:
SALL1-related disorder. Also called: SALL1-related condition.
Townes syndrome (TBS). Also called: Townes-Brocks syndrome. Identifiers: Orphanet 857, MedGen C0265246, MeSH C536974, MONDO:0007142.

Allele frequency attached by ClinVar (database versions not stated): ExAC 0.00007; gnomAD 0.00009; gnomAD exomes 0.00009; TOPMed 0.00013; 1000 Genomes Project 30x 0.00031; 1000 Genomes Project 0.00040.
gnomAD v4.1: 64 of 1,614,060 alleles (0.004%); highest among the groups gnomAD compares: East Asian, 0.049%; no homozygotes.

Submissions (5):

PreventionGenetics, part of Exact Sciences
Classification: Likely benign for SALL1-related condition. Last evaluated: 2024-10-20. Review status: criteria provided, single submitter. Criteria: ACMG Guidelines, 2015. Collection method: clinical testing. Allele origin: germline.
Comment: This variant is classified as likely benign based on ACMG/AMP sequence variant interpretation guidelines (Richards et al. 2015 PMID: 25741868, with internal and published modifications).

Labcorp Genetics (formerly Invitae), Labcorp
Classification: Likely benign for Townes syndrome. Last evaluated: 2023-06-16. Review status: criteria provided, single submitter. Criteria: Invitae Variant Classification Sherloc (09022015). Collection method: clinical testing. Allele origin: germline.

Blueprint Genetics
Classification: Likely benign. Last evaluated: 2022-03-25. Review status: criteria provided, single submitter. Criteria: ACMG Guidelines, 2015. Collection method: clinical testing. Allele origin: germline.

GeneDx
Classification: Benign. Last evaluated: 2020-10-28. Review status: criteria provided, single submitter. Criteria: GeneDx Variant Classification Process June 2021. Collection method: clinical testing. Allele origin: germline. Affected: yes.

Breakthrough Genomics
Classification: Likely benign. Review status: criteria provided, single submitter. Criteria: ACMG Guidelines, 2015. Collection method: not provided. Allele origin: germline. Inheritance: Autosomal dominant inheritance. Affected: yes.